The following is an entry in ClinVar:

NM_005219.5(DIAPH1):c.*734C>T

Gene: DIAPH1 (diaphanous related formin 1; minus strand). Cytogenetic location: 5q31.3.
Variant type: single nucleotide variant.
Coding change: c.*734C>T on transcript NM_005219.5 (MANE Select); 734 bases downstream of the stop codon, C replaced by T.
Molecular consequence: 3 prime UTR variant.
Genome position (GRCh38, 1-based): chr5:141,516,117, G>A on the plus strand (C>T on the coding strand, the complement: DIAPH1 is on the minus strand). VCF-style: chr5-141516117-G-A. GRCh37 (hg19) VCF-style: chr5-140895684-G-A.
Other names: c.*734C>T (NM_001079812.3); c.*853C>T (NM_001314007.2).
Identifiers: ClinVar variation 351274 (VCV000351274.5), dbSNP rs557696634, ClinGen allele CA10620373.

ClinVar aggregate classification (germline): Likely benign (1 of 4 stars; one submission).

Conditions:
Autosomal dominant nonsyndromic hearing loss 1. Also called: KONIGSMARK SYNDROME; DEAFNESS, AUTOSOMAL DOMINANT 1, WITH OR WITHOUT THROMBOCYTOPENIA. Identifiers: Orphanet 90635, MedGen C1852282, MONDO:0007424, OMIM 124900.

Allele frequency attached by ClinVar (database versions not stated): 1000 Genomes Project 30x 0.00047; gnomAD exomes 0.00050; gnomAD 0.00059 and 0.00061; 1000 Genomes Project 0.00060; TOPMed 0.00060.
gnomAD v4.1: 91 of 156,474 alleles (0.058%); highest among the groups gnomAD compares: Non-Finnish European, 0.085%; no homozygotes.

Submission:

Illumina Laboratory Services, Illumina
Classification: Likely benign for Autosomal dominant nonsyndromic hearing loss 1. Last evaluated: 2018-01-12. Review status: criteria provided, single submitter. Criteria: ICSL Variant Classification Criteria 13 December 2019. Collection method: clinical testing. Allele origin: germline.
Comment: This variant was observed in the ICSL laboratory as part of a predisposition screen in an ostensibly healthy population. It had not been previously curated by ICSL or reported in the Human Gene Mutation Database (HGMD: prior to June 1st, 2018), and was therefore a candidate for classification through an automated scoring system. Utilizing variant allele frequency, disease prevalence and penetrance estimates, and inheritance mode, an automated score was calculated to assess if this variant is too frequent to cause the disease. Based on the score and internal cut-off values, a variant classified as likely benign is not then subjected to further curation. The score for this variant resulted in a classification of likely benign for this disease.